The following is an entry in ClinVar:

ClinVar aggregate classification (germline): Uncertain significance. Review status: criteria provided, multiple submitters, no conflicts (2 of 4 stars). 2 submissions from 2 submitters: Uncertain significance (2). Last evaluated 2025-11-23.

Conditions:
Emery-Dreifuss muscular dystrophy 5, autosomal dominant (EDMD5). Also called: EMERY-DREIFUSS MUSCULAR DYSTROPHY 5. Identifiers: Orphanet 261, MedGen C2751805, MONDO:0013072, OMIM 612999.

Allele frequency attached by ClinVar (database versions not stated): gnomAD exomes 0.00001 and 0.00003; ExAC 0.00007; ESP Exome Variant Server 0.00008; TOPMed 0.00013; gnomAD 0.00015 and 0.00016.
gnomAD v4.1: 40 of 1,612,120 alleles (0.0025%); highest among the groups gnomAD compares: African/African-American, 0.032%; no homozygotes.

Submissions (2):

Labcorp Genetics (formerly Invitae), Labcorp
Classification: Uncertain significance for Emery-Dreifuss muscular dystrophy 5, autosomal dominant. Last evaluated: 2025-11-23. Review status: criteria provided, single submitter. Criteria: Invitae Variant Classification Sherloc (09022015). Collection method: clinical testing. Allele origin: germline.
Comment: This sequence change replaces methionine, which is neutral and non-polar, with threonine, which is neutral and polar, at codon 2157 of the SYNE2 protein (p.Met2157Thr). This variant is present in population databases (rs377480048, gnomAD 0.04%), and has an allele count higher than expected for a pathogenic variant. This variant has not been reported in the literature in individuals affected with SYNE2-related conditions. ClinVar contains an entry for this variant (Variation ID: 858480). An algorithm developed to predict the effect of missense changes on protein structure and function (PolyPhen-2) suggests that this variant is likely to be disruptive. In summary, the available evidence is currently insufficient to determine the role of this variant in disease. Therefore, it has been classified as a Variant of Uncertain Significance.

Ambry Genetics
Classification: Uncertain significance. Last evaluated: 2022-03-21. Review status: criteria provided, single submitter. Criteria: Ambry Variant Classification Scheme 2023. Collection method: clinical testing. Allele origin: germline.

NM_182914.3(SYNE2):c.6470T>C (p.Met2157Thr)

Gene: SYNE2 (spectrin repeat containing nuclear envelope protein 2; plus strand). Cytogenetic location: 14q23.2.
Variant type: single nucleotide variant.
Coding change: c.6470T>C on transcript NM_182914.3 (MANE Select); coding-DNA position 6470, T replaced by C.
Protein change: p.Met2157Thr; replaces methionine 2157 with threonine.
Molecular consequence: missense variant.
Genome position (GRCh38, 1-based): chr14:64,027,549, T>C. VCF-style: chr14-64027549-T-C. GRCh37 (hg19) VCF-style: chr14-64494267-T-C.
Other names: c.6470T>C, p.Met2157Thr (NM_015180.6); short protein forms M2157T.
Identifiers: ClinVar variation 858480 (VCV000858480.10), dbSNP rs377480048, ClinGen allele CA7220709.